The following is an entry in ClinVar:

NM_001844.5(COL2A1):c.342+3_342+6dup

Gene: COL2A1 (collagen type II alpha 1 chain; minus strand). Cytogenetic location: 12q13.11.
Variant type: Duplication.
Coding change: c.342+3_342+6dup on transcript NM_001844.5 (MANE Select); bases 3 to 6 of the intron after coding-DNA position 342, 4 bases duplicated (AAGT; older notation c.342+3_342+6dupAAGT).
Molecular consequence: splice donor variant.
Genome position (GRCh38, 1-based): chr12:47,998,163-47,998,166, ACTT duplicated on the plus strand (AAGT on the coding strand, the reverse complement: COL2A1 is on the minus strand); duplicating any 4 consecutive bases within chr12:47,998,163-47,998,168 gives the same sequence; the c. name uses the placement nearest the transcript's 3' end. VCF-style (leftmost placement, unchanged base first): chr12-47998162-C-CACTT. GRCh37 (hg19) VCF-style: chr12-48391945-C-CACTT.
Other names: c.135+3_135+6dup (NM_033150.3).
Identifiers: ClinVar variation 1219066 (VCV001219066.3), dbSNP rs2136629152, ClinGen allele CA2499221700.

ClinVar aggregate classification (germline): Uncertain significance (1 of 4 stars; one submission).

Submission:

GeneDx
Classification: Uncertain significance. Last evaluated: 2020-10-06. Review status: criteria provided, single submitter. Criteria: GeneDx Variant Classification Process June 2021. Collection method: clinical testing. Allele origin: germline. Affected: yes.
Comment: Has not been previously published as pathogenic or benign to our knowledge; Not observed in large population cohorts (Lek et al., 2016); In-silico splicing algorithms predict this change creates a strong cryptic splice donor site located next to the canonical splice donor site in intron 4, which could lead to aberrant gene splicing; In the absence of RNA/functional studies, the actual effect of this sequence change is unknown